The following is an entry in ClinVar:

NM_198252.3(GSN):c.267C>T (p.Asn89=)

Gene: GSN (gelsolin; plus strand). Cytogenetic location: 9q33.2.
Variant type: single nucleotide variant.
Coding change: c.267C>T on transcript NM_198252.3 (MANE Select); coding-DNA position 267, C replaced by T.
Protein change: p.Asn89=; no amino-acid change (asparagine 89 retained).
Molecular consequence: synonymous variant. On other transcripts: 5 prime UTR variant (1).
Genome position (GRCh38, 1-based): chr9:121,302,981, C>T. VCF-style: chr9-121302981-C-T. GRCh37 (hg19) VCF-style: chr9-124065259-C-T.
Other names: c.420C>T, p.Asn140= (NM_000177.5); c.267C>T, p.Asn89= (NM_001127662.2, NM_001127664.2, NM_001127665.2 and 10 more transcripts); c.375C>T, p.Asn125= (NM_001127663.2); c.300C>T, p.Asn100= (NM_001127666.2, NM_001127667.2, NM_001353063.2 and 13 more transcripts); c.318C>T, p.Asn106= (NM_001258029.2); c.291C>T, p.Asn97= (NM_001258030.2); c.339C>T, p.Asn113= (NM_001353076.2); c.-388C>T (NM_001353078.2).
Identifiers: ClinVar variation 1547524 (VCV001547524.22), dbSNP rs965919012, ClinGen allele CA5220820.
Genomic context (GRCh38, chr9:121,302,981, plus strand): 5'-CAGCCAGGATGAGAGCGGGGCGGCCGCCATCTTTACCGTGCAGCTGGATGACTACCTGAA[C>T]GGCCGGGCCGTGCAGCACCGTGAGGTCCAGGGCTTCGAGTCGGCCACCTTCCTAGGCTAC-3'
Protein context (NP_937895.1, residues 79-99): IFTVQLDDYL[Asn89=]GRAVQHREVQ

ClinVar aggregate classification (germline): Likely benign. Review status: criteria provided, multiple submitters, no conflicts (2 of 4 stars). 2 submissions from 2 submitters: Likely benign (2). Last evaluated 2025-12-13.

Allele frequency attached by ClinVar (database versions not stated): ExAC 0.00002; gnomAD 0.00002 and 0.00003; gnomAD exomes 0.00002.
gnomAD v4.1: 24 of 1,613,952 alleles (0.0015%); highest among the groups gnomAD compares: East Asian, 0.029%; no homozygotes.

Submissions (2):

Labcorp Genetics (formerly Invitae), Labcorp
Classification: Likely benign. Last evaluated: 2025-12-13. Review status: criteria provided, single submitter. Criteria: Invitae Variant Classification Sherloc (09022015). Collection method: clinical testing. Allele origin: germline.

CeGaT Center for Human Genetics Tuebingen
Classification: Likely benign. Last evaluated: 2024-10-01. Review status: criteria provided, single submitter. Criteria: CeGaT Center For Human Genetics Tuebingen Variant Classification Criteria Version 2. Collection method: clinical testing. Allele origin: germline. Affected: yes. Observed: 1 variant allele.
Comment: GSN: BP4, BP7